The following is an entry in ClinVar:

ClinVar aggregate classification (germline): Likely benign (1 of 4 stars; one submission).

Allele frequency attached by ClinVar (database versions not stated): gnomAD 0.00520; gnomAD exomes 0.01515; 1000 Genomes Project 0.00160.
gnomAD v4.1: 792 of 152,124 alleles (0.52%); highest among the groups gnomAD compares: Middle Eastern, 1.4%; 4 homozygotes.

Submission:

CeGaT Center for Human Genetics Tuebingen
Classification: Likely benign. Last evaluated: 2024-11-01. Review status: criteria provided, single submitter. Criteria: CeGaT Center For Human Genetics Tuebingen Variant Classification Criteria Version 2. Collection method: clinical testing. Allele origin: germline. Affected: yes. Observed: 20 variant alleles.
Comment: TRAPPC9: BS2

NM_001160372.4(TRAPPC9):c.2557-75059C>G

Genes: PEG13 (paternally expressed 13; minus strand), TRAPPC9 (trafficking protein particle complex subunit 9; minus strand). Cytogenetic location: 8q24.3.
Variant type: single nucleotide variant.
Coding change: c.2557-75059C>G on transcript NM_001160372.4 (MANE Select); 75059 bases into the intron before coding-DNA position 2557, C replaced by G.
Molecular consequence: intron variant. On other transcripts: non-coding transcript variant (1).
Genome position (GRCh38, 1-based): chr8:140,099,138, G>C on the plus strand (C>G on the coding strand, the complement: TRAPPC9 is on the minus strand). VCF-style: chr8-140099138-G-C. GRCh37 (hg19) VCF-style: chr8-141109237-G-C.
Other names: c.2557-75059C>G (NM_031466.8, NM_001374683.1); c.2530-75059C>G (NM_001321646.2); c.2413-75059C>G (NM_001374684.1); c.2578-75059C>G (NM_001374682.1).
Identifiers: ClinVar variation 2579055 (VCV002579055.25), dbSNP rs186219048, ClinGen allele CA187246444.